The following is an entry in ClinVar:

ClinVar aggregate classification (germline): Likely pathogenic (1 of 4 stars; one submission).

Conditions:
Metachromatic leukodystrophy (MLD). Also called: ARSA DEFICIENCY; CEREBROSIDE SULFATASE DEFICIENCY; METACHROMATIC LEUKOENCEPHALOPATHY; Cerebral sclerosis diffuse metachromatic form; Arylsulfatase A Deficiency; SULFATIDE LIPIDOSIS. Identifiers: Orphanet 512, MedGen C0023522, MONDO:0018868, OMIM 250100.

Submission:

Laboratory of Experimental Gene Therapy of Hereditary Metabolic Diseases, Research Centre for Medical Genetics
Classification: Likely pathogenic for Metachromatic leukodystrophy. Last evaluated: 2026-09-17. Review status: criteria provided, single submitter. Criteria: ARSA MLD Assertion Criteria V2 2026 09 18. Collection method: clinical testing. Allele origin: germline. Inheritance: Autosomal recessive inheritance. Affected: yes. Observed: 2 variant alleles, 1 compound heterozygote, 1 homozygote.
Comment: Reassessed under ACMG/AMP 2015 with ClinGen SVI refinements and a Bayesian point framework (supporting=1, moderate=2, strong=4, very strong=8; 6-9 points=likely pathogenic; >=10 points=pathogenic). Final score: 8. Evidence applied: PVS1_VeryStrong. Observations from the present referral series were excluded from classification.

NM_000487.6(ARSA):c.964_1108-59del

Gene: ARSA (arylsulfatase A; minus strand). Cytogenetic location: 22q13.33.
Variant type: Deletion.
Coding change: c.964_1108-59del on transcript NM_000487.6 (MANE Select); coding-DNA position 964 through 59 bases into the intron before coding-DNA position 1108, 430 bases deleted.
Molecular consequence: splice acceptor variant, splice donor variant.
Genome position (GRCh38, 1-based): chr22:50,625,740-50,626,169, 430 bases deleted. GRCh37 (hg19): chr22:51,064,168-51,064,597.
Other names: c.706_850-59del (NM_001362782.2, NM_001085428.3); c.964_1108-59del (NM_001085427.3, NM_001085426.3, NM_001085425.3).
Identifiers: ClinVar variation 4850929 (VCV004850929.2).